The following is an entry in ClinVar:

ClinVar aggregate classification (germline): Pathogenic (1 of 4 stars; one submission).

Conditions:
Retinoblastoma (RB1). Also called: RETINOBLASTOMA, SOMATIC. Identifiers: Orphanet 790, MedGen C0035335, MeSH D012175, MONDO:0008380, OMIM 180200, HP:0009919. Disease mechanism: loss of function. Inheritance: Both sporadic and heritable forms are tested..

Submission:

Genetic Diagnostic Laboratory, University of Pennsylvania School of Medicine
Classification: Pathogenic for Retinoblastoma. Last evaluated: 2024-05-20. Review status: criteria provided, single submitter. Criteria: ACMG Guidelines, 2015. Collection method: clinical testing. Allele origin: germline. Affected: yes. Observed: 1 variant allele.
Comment: Case and Pedigree Information: BILATERAL CASES:1, UNILATERAL CASES:0, TOTAL CASES:1, PEDIGREES:1. ACMG Codes Applied:PVS1, PM2

NM_000321.3(RB1):c.1221C>A (p.Cys407Ter)

Gene: RB1 (RB transcriptional corepressor 1; plus strand). Cytogenetic location: 13q14.2.
Variant type: single nucleotide variant.
Coding change: c.1221C>A on transcript NM_000321.3 (MANE Select); coding-DNA position 1221, C replaced by A.
Protein change: p.Cys407Ter; replaces cysteine 407 with a stop codon.
Molecular consequence: nonsense.
Genome position (GRCh38, 1-based): chr13:48,376,923, C>A. VCF-style: chr13-48376923-C-A. GRCh37 (hg19) VCF-style: chr13-48951059-C-A.
Other names: c.1221C>A, p.Cys407Ter (NM_001407165.1, NM_001407166.1); short protein forms C407*.
Identifiers: ClinVar variation 3236964 (VCV003236964.1), dbSNP rs756329704.